The following is an entry in ClinVar:

NM_144997.7(FLCN):c.450T>C (p.Phe150=)

Gene: FLCN (folliculin; minus strand). Cytogenetic location: 17p11.2.
Variant type: single nucleotide variant.
Coding change: c.450T>C on transcript NM_144997.7 (MANE Select); coding-DNA position 450, T replaced by C.
Protein change: p.Phe150=; no amino-acid change (phenylalanine 150 retained).
Molecular consequence: synonymous variant.
Genome position (GRCh38, 1-based): chr17:17,224,090, A>G on the plus strand (T>C on the coding strand, the complement: FLCN is on the minus strand). VCF-style: chr17-17224090-A-G. GRCh37 (hg19) VCF-style: chr17-17127404-A-G.
Other names: c.450T>C (LRG_325t1); c.504T>C, p.Phe168= (NM_001353229.2); c.450T>C, p.Phe150= (NM_001353230.2, NM_001353231.2, NM_144606.7).
Identifiers: ClinVar variation 241925 (VCV000241925.23), dbSNP rs200672897, ClinGen allele CA8416396.

ClinVar aggregate classification (germline): Benign/Likely benign. Review status: criteria provided, multiple submitters, no conflicts (2 of 4 stars). 9 submissions from 9 submitters: Benign (2); Likely benign (6). 1 of the submissions does not count toward it. Last evaluated 2026-01-26.

Conditions:
17p11.2 microduplication syndrome (PTLS). Also called: CHROMOSOME 17p11.2 DUPLICATION SYNDROME; Potocki-Lupski syndrome; Duplication 17p11.2 syndrome; Potocki-Lupski syndrome (dup(17)(p11.2p11.2)). Identifiers: Orphanet 1713, MedGen C2931246, MONDO:0012574, OMIM 610883.
Birt-Hogg-Dube syndrome. Also called: Birt Hogg Dubé syndrome. Identifiers: Orphanet 122, MedGen C0346010, MONDO:0800444.
Nonpapillary renal cell carcinoma. Identifiers: Orphanet 422526, MedGen CN074294, MONDO:0007763, OMIM 144700.
Familial spontaneous pneumothorax (PSP). Identifiers: Orphanet 2903, MedGen C1868193, MONDO:0008259, OMIM 173600.
Colorectal cancer. Also called: Colorectal cancer, somatic; Malignant Colorectal Neoplasm. Identifiers: MedGen C0346629, MONDO:0005575, OMIM 114500.
FLCN-related disorder. Also called: FLCN-related condition.
Birt-Hogg-Dube syndrome 1 (BHD1). Also called: FIBROFOLLICULOMAS WITH TRICHODISCOMAS AND ACROCHORDONS. Identifiers: Orphanet 122, MedGen CN375946, MONDO:0800445, OMIM 135150.
Hereditary cancer-predisposing syndrome. Also called: Hereditary Cancer Syndrome; Tumor predisposition; Hereditary neoplastic syndrome; Neoplastic Syndromes, Hereditary. Identifiers: Orphanet 140162, MedGen C0027672, MeSH D009386, MONDO:0015356.

Allele frequency attached by ClinVar (database versions not stated): gnomAD 0.00003 and 0.00005; gnomAD exomes 0.00004 and 0.00016; TOPMed 0.00008; ExAC 0.00018; 1000 Genomes Project 30x 0.00047; 1000 Genomes Project 0.00060.
gnomAD v4.1: 72 of 1,612,426 alleles (0.0045%); highest among the groups gnomAD compares: East Asian, 0.13%; no homozygotes.

Submissions (9):

Labcorp Genetics (formerly Invitae), Labcorp
Classification: Benign for Birt-Hogg-Dube syndrome. Last evaluated: 2026-01-26. Review status: criteria provided, single submitter. Criteria: Invitae Variant Classification Sherloc (09022015). Collection method: clinical testing. Allele origin: germline.

Center for Genomic Medicine, Rigshospitalet, Copenhagen University Hospital
Classification: Likely benign. Last evaluated: 2025-03-04. Review status: criteria provided, single submitter. Criteria: ACMG Guidelines, 2015. Collection method: clinical testing. Allele origin: germline.

Myriad Genetics, Inc.
Classification: Benign for Birt-Hogg-Dube syndrome 1. Last evaluated: 2024-10-22. Review status: criteria provided, single submitter. Criteria: Myriad Autosomal Dominant, Autosomal Recessive and X-Linked Classification Criteria (2023). Collection method: clinical testing. Allele origin: unknown.
Comment: This variant is considered benign. This variant is a silent/synonymous amino acid change and it is not expected to impact splicing.

Blueprint Genetics
Classification: Likely benign. Last evaluated: 2024-08-16. Review status: criteria provided, single submitter. Criteria: ACMG Guidelines, 2015. Collection method: clinical testing. Allele origin: germline.

Fulgent Genetics
Classification: Likely benign for Colorectal cancer; Birt-Hogg-Dube syndrome 1; Nonpapillary renal cell carcinoma; Familial spontaneous pneumothorax; 17p11.2 microduplication syndrome. Last evaluated: 2021-09-17. Review status: criteria provided, single submitter. Criteria: ACMG Guidelines, 2015. Collection method: clinical testing. Allele origin: unknown.

Sema4
Classification: Likely benign for Hereditary cancer-predisposing syndrome. Last evaluated: 2021-08-25. Review status: criteria provided, single submitter. Criteria: Sema4 Curation Guidelines. Collection method: curation. Allele origin: germline.

GeneDx
Classification: Likely benign. Last evaluated: 2019-08-27. Review status: criteria provided, single submitter. Criteria: GeneDx Variant Classification Process June 2021. Collection method: clinical testing. Allele origin: germline. Affected: yes.

Ambry Genetics
Classification: Likely benign for Hereditary cancer-predisposing syndrome. Last evaluated: 2015-07-27. Review status: criteria provided, single submitter. Criteria: Ambry Variant Classification Scheme 2023. Collection method: clinical testing. Allele origin: germline.

PreventionGenetics, part of Exact Sciences
Classification: Likely benign for FLCN-related condition. Last evaluated: 2022-07-05. Review status: no assertion criteria provided. Collection method: clinical testing. Allele origin: germline. Not counted in ClinVar's aggregate classification.
Comment: This variant is classified as likely benign based on ACMG/AMP sequence variant interpretation guidelines (Richards et al. 2015 PMID: 25741868, with internal and published modifications).